The following is an entry in ClinVar:

ClinVar aggregate classification (germline): Likely benign (1 of 4 stars; one submission).

gnomAD v4.1: 1 of 1,613,850 alleles (0.000062%); highest among the groups gnomAD compares: Non-Finnish European, 0.000085%; no homozygotes.

Submission:

CeGaT Center for Human Genetics Tuebingen
Classification: Likely benign. Last evaluated: 2026-07-01. Review status: criteria provided, single submitter. Criteria: CeGaT Center For Human Genetics Tuebingen Variant Classification Criteria Version 2. Collection method: clinical testing. Allele origin: germline. Affected: yes. Observed: 1 variant allele.
Comment: CXCL10: BP4, BP7

NM_001565.4(CXCL10):c.36C>T (p.Ile12=)

Genes: CXCL10 (C-X-C motif chemokine ligand 10; minus strand), ART3 (ADP-ribosyltransferase 3 (inactive); plus strand). Cytogenetic location: 4q21.1.
Variant type: single nucleotide variant.
Coding change: c.36C>T on transcript NM_001565.4 (MANE Select); coding-DNA position 36, C replaced by T.
Protein change: p.Ile12=; no amino-acid change (isoleucine 12 retained).
Molecular consequence: synonymous variant. On other transcripts: non-coding transcript variant (1), intron variant (4).
Genome position (GRCh38, 1-based): chr4:76,023,396, G>A on the plus strand (C>T on the coding strand, the complement: CXCL10 is on the minus strand). VCF-style: chr4-76023396-G-A. GRCh37 (hg19) VCF-style: chr4-76944549-G-A.
Other names: c.-10+12076G>A (NM_001130017.3, NM_001377177.1, NM_001377181.1 and 1 more transcripts).
Identifiers: ClinVar variation 5038467 (VCV005038467.1).